The following is an entry in ClinVar:

NM_130839.5(UBE3A):c.171del (p.Leu58fs)

Genes: SNHG14 (small nucleolar RNA host gene 14; plus strand), UBE3A (ubiquitin protein ligase E3A; minus strand). Cytogenetic location: 15q11.2.
Variant type: Deletion.
Coding change: c.171del on transcript NM_130839.5 (MANE Select); coding-DNA position 171, one base deleted (T; older notation c.171delT).
Protein change: p.Leu58fs; shifts the reading frame from leucine 58.
Molecular consequence: frameshift variant. On other transcripts: non-coding transcript variant (1), 5 prime UTR variant (1).
Genome position (GRCh38, 1-based): chr15:25,375,655, A deleted on the plus strand (T on the coding strand, the reverse complement: UBE3A is on the minus strand); the first of 4 consecutive A bases (chr15:25,375,655-25,375,658); deleting any one gives the same sequence. VCF-style (leftmost placement, unchanged base first): chr15-25375654-GA-G. GRCh37 (hg19) VCF-style: chr15-25620801-GA-G.
Other names: c.180del, p.Leu61fs (NM_000462.5); c.171del, p.Leu58fs (NM_001354505.1, NM_001354538.2, NM_001354545.2 and 1 more transcripts); c.111del, p.Leu38fs (NM_001354506.2, NM_001354507.2, NM_001354508.2 and 18 more transcripts); c.-7del (NM_001354546.2); short protein forms L58fs, L38fs, L61fs.
Identifiers: ClinVar variation 1370721 (VCV001370721.6), dbSNP rs2152848314, ClinGen allele CA2573150615.

ClinVar aggregate classification (germline): Pathogenic (1 of 4 stars; one submission).

Conditions:
Angelman syndrome (AS). Also called: HAPPY PUPPET SYNDROME. Identifiers: Orphanet 72, MedGen C0162635, MONDO:0007113, OMIM 105830. Disease mechanism: loss of function. Inheritance: AS is caused by disruption of maternally imprinted UBE3A located within the 15q11.2-q13 Angelman syndrome/Prader-Willi syndrome (AS/PWS) region., imprinting disorder.

Submission:

Labcorp Genetics (formerly Invitae), Labcorp
Classification: Pathogenic for Angelman syndrome. Last evaluated: 2021-08-23. Review status: criteria provided, single submitter. Criteria: Invitae Variant Classification Sherloc (09022015). Collection method: clinical testing. Allele origin: germline.
Comment: For these reasons, this variant has been classified as Pathogenic. This variant has not been reported in the literature in individuals affected with UBE3A-related conditions. This variant is not present in population databases (ExAC no frequency). This sequence change creates a premature translational stop signal (p.Leu38Phefs*51) in the UBE3A gene. It is expected to result in an absent or disrupted protein product. Loss-of-function variants in UBE3A are known to be pathogenic (PMID: 25212744).

Literature cited by the submitters: PubMed 25212744.